The following is an entry in ClinVar:

ClinVar aggregate classification (germline): Uncertain significance. Review status: criteria provided, multiple submitters, no conflicts (2 of 4 stars). 2 submissions from 2 submitters: Uncertain significance (2). Last evaluated 2025-02-28.

Conditions:
Gastrointestinal stromal tumor. Also called: Gastrointestinal stroma tumor; Gastrointestinal stromal tumor, somatic. Identifiers: Orphanet 44890, MedGen C0238198, MeSH D046152, MONDO:0011719, OMIM 606764, HP:0100723.
Hereditary cancer-predisposing syndrome. Also called: Hereditary neoplastic syndrome; Neoplastic Syndromes, Hereditary; Hereditary Cancer Syndrome; Tumor predisposition. Identifiers: Orphanet 140162, MedGen C0027672, MeSH D009386, MONDO:0015356.

Submissions (2):

Labcorp Genetics (formerly Invitae), Labcorp
Classification: Uncertain significance for Gastrointestinal stromal tumor. Last evaluated: 2025-02-28. Review status: criteria provided, single submitter. Criteria: Invitae Variant Classification Sherloc (09022015). Collection method: clinical testing. Allele origin: germline.
Comment: This sequence change replaces glutamic acid, which is acidic and polar, with aspartic acid, which is acidic and polar, at codon 893 of the KIT protein (p.Glu893Asp). This variant is not present in population databases (gnomAD no frequency). This variant has not been reported in the literature in individuals affected with KIT-related conditions. ClinVar contains an entry for this variant (Variation ID: 2045117). An algorithm developed to predict the effect of missense changes on protein structure and function (PolyPhen-2) suggests that this variant is likely to be tolerated. In summary, the available evidence is currently insufficient to determine the role of this variant in disease. Therefore, it has been classified as a Variant of Uncertain Significance.

Ambry Genetics
Classification: Uncertain significance for Hereditary cancer-predisposing syndrome. Last evaluated: 2025-01-06. Review status: criteria provided, single submitter. Criteria: Ambry Variant Classification Scheme 2023. Collection method: clinical testing. Allele origin: germline.
Comment: The p.E893D variant (also known as c.2679A>T), located in coding exon 19 of the KIT gene, results from an A to T substitution at nucleotide position 2679. The glutamic acid at codon 893 is replaced by aspartic acid, an amino acid with highly similar properties. This amino acid position is conserved. In addition, this alteration is predicted to be tolerated by in silico analysis. Based on the available evidence, the clinical significance of this variant remains unclear.

NM_000222.3(KIT):c.2679A>T (p.Glu893Asp)

Gene: KIT (KIT proto-oncogene, receptor tyrosine kinase; plus strand). Cytogenetic location: 4q12.
Variant type: single nucleotide variant.
Coding change: c.2679A>T on transcript NM_000222.3 (MANE Select); coding-DNA position 2679, A replaced by T.
Protein change: p.Glu893Asp; replaces glutamic acid 893 with aspartic acid.
Molecular consequence: missense variant.
Genome position (GRCh38, 1-based): chr4:54,736,803, A>T. VCF-style: chr4-54736803-A-T. GRCh37 (hg19) VCF-style: chr4-55602969-A-T.
Other names: c.2667A>T, p.Glu889Asp (NM_001093772.2, NM_001385292.1); c.2682A>T, p.Glu894Asp (NM_001385284.1); c.2676A>T, p.Glu892Asp (NM_001385285.1); c.2664A>T, p.Glu888Asp (NM_001385286.1); c.2670A>T, p.Glu890Asp (NM_001385288.1); c.2679A>T, p.Glu893Asp (NM_001385290.1); short protein forms E889D, E892D, E893D, E894D, E888D, E890D.
Identifiers: ClinVar variation 2045117 (VCV002045117.5), dbSNP rs1060504657, ClinGen allele CA356914034.
Genomic context (GRCh38, chr4:54,736,803, plus strand): 5'-GCCGGTCGATTCTAAGTTCTACAAGATGATCAAGGAAGGCTTCCGGATGCTCAGCCCTGA[A>T]CACGCACCTGCTGAAATGTAAGAGCCAAAAAATTTTTCCTTTAGGTCACGTTTTCCCTTT-3'
Protein context (NP_000213.1, residues 883-903): IKEGFRMLSP[Glu893Asp]HAPAEMYDIM